The following is an entry in ClinVar:

ClinVar aggregate classification (germline): Likely benign. Review status: criteria provided, single submitter (1 of 4 stars). 2 submissions from 2 submitters: Likely benign (1). 1 of the submissions does not count toward it. Last evaluated 2025-05-13.

Conditions:
LIPC-related disorder. Also called: LIPC-related condition.

Submissions (2):

Labcorp Genetics (formerly Invitae), Labcorp
Classification: Likely benign. Last evaluated: 2025-05-13. Review status: criteria provided, single submitter. Criteria: Invitae Variant Classification Sherloc (09022015). Collection method: clinical testing. Allele origin: germline.

PreventionGenetics, part of Exact Sciences
Classification: Likely benign for LIPC-related condition. Last evaluated: 2020-01-03. Review status: no assertion criteria provided. Collection method: clinical testing. Allele origin: germline. Not counted in ClinVar's aggregate classification.
Comment: This variant is classified as likely benign based on ACMG/AMP sequence variant interpretation guidelines (Richards et al. 2015 PMID: 25741868, with internal and published modifications).

NM_000236.3(LIPC):c.1052-13TC[6]

Gene: LIPC (lipase C, hepatic type; plus strand). Cytogenetic location: 15q21.3.
Variant type: Microsatellite.
Coding change: c.1052-13TC[6] on transcript NM_000236.3 (MANE Select); six copies in a row of the 2-base unit TC starting at c.1052-13.
Molecular consequence: intron variant.
Genome position: GRCh38 VCF-style: chr15-58560850-G-GTC. GRCh37 (hg19) VCF-style: chr15-58853049-G-GTC.
Identifiers: ClinVar variation 316670 (VCV000316670.10), dbSNP rs776858148, ClinGen allele CA7585104.